The following is an entry in ClinVar:

NM_000245.4(MET):c.346A>G (p.Ile116Val)

Gene: MET (MET proto-oncogene, receptor tyrosine kinase; plus strand). Cytogenetic location: 7q31.2.
Variant type: single nucleotide variant.
Coding change: c.346A>G on transcript NM_000245.4 (MANE Select); coding-DNA position 346, A replaced by G.
Protein change: p.Ile116Val; replaces isoleucine 116 with valine.
Molecular consequence: missense variant. On other transcripts: intron variant (1).
Genome position (GRCh38, 1-based): chr7:116,699,430, A>G. VCF-style: chr7-116699430-A-G. GRCh37 (hg19) VCF-style: chr7-116339484-A-G.
Other names: c.346A>G, p.Ile116Val (NM_001127500.3, NM_001324401.3); c.-91+26853A>G (NM_001324402.2); short protein forms I116V.
Identifiers: ClinVar variation 524875 (VCV000524875.17), dbSNP rs1554378434, ClinGen allele CA368968875.

ClinVar aggregate classification (germline): Conflicting classifications of pathogenicity. Review status: criteria provided, conflicting classifications (1 of 4 stars). 4 submissions from 4 submitters: Uncertain significance (3); Likely benign (1). Last evaluated 2025-07-24.

Conditions:
Hereditary cancer-predisposing syndrome. Also called: Tumor predisposition; Hereditary neoplastic syndrome; Neoplastic Syndromes, Hereditary; Hereditary Cancer Syndrome. Identifiers: Orphanet 140162, MedGen C0027672, MeSH D009386, MONDO:0015356.
Renal cell carcinoma. Identifiers: Orphanet 217071, MedGen C0007134, MeSH D002292, MONDO:0005086, HP:0005584.

Allele frequency attached by ClinVar (database versions not stated): gnomAD exomes below 0.00001.
gnomAD v4.1: 4 of 1,614,086 alleles (0.00025%); highest among the groups gnomAD compares: Non-Finnish European, 0.00034%; no homozygotes.

Submissions (4):

Labcorp Genetics (formerly Invitae), Labcorp
Classification: Uncertain significance for Renal cell carcinoma. Last evaluated: 2025-07-24. Review status: criteria provided, single submitter. Criteria: Invitae Variant Classification Sherloc (09022015). Collection method: clinical testing. Allele origin: germline.
Comment: This sequence change replaces isoleucine, which is neutral and non-polar, with valine, which is neutral and non-polar, at codon 116 of the MET protein (p.Ile116Val). This variant is not present in population databases (gnomAD no frequency). This variant has not been reported in the literature in individuals affected with MET-related conditions. ClinVar contains an entry for this variant (Variation ID: 524875). Invitae Evidence Modeling of protein sequence and biophysical properties (such as structural, functional, and spatial information, amino acid conservation, physicochemical variation, residue mobility, and thermodynamic stability) indicates that this missense variant is not expected to disrupt MET protein function with a negative predictive value of 80%. In summary, the available evidence is currently insufficient to determine the role of this variant in disease. Therefore, it has been classified as a Variant of Uncertain Significance.

Ambry Genetics
Classification: Likely benign for Hereditary cancer-predisposing syndrome. Last evaluated: 2025-03-11. Review status: criteria provided, single submitter. Criteria: Ambry Variant Classification Scheme 2023. Collection method: clinical testing. Allele origin: germline.

Dasa
Classification: Uncertain significance. Last evaluated: 2024-12-18. Review status: criteria provided, single submitter. Criteria: DASA Assertion Criteria. Collection method: clinical testing. Allele origin: germline.
Comment: NM_000245.4(MET):c.346A>G (p.Ile116Val) is a missense variant that results in the substitution of isoleucine with valine. This variant is rare in population databases. Computational prediction algorithms are consistent with a benign effect. The currently available literature and clinical evidence are not sufficient to establish a definitive association between this variant and the reported condition. Therefore, this variant is classified as a variant of uncertain significance.

GeneDx
Classification: Uncertain significance. Last evaluated: 2022-01-24. Review status: criteria provided, single submitter. Criteria: GeneDx Variant Classification Process June 2021. Collection method: clinical testing. Allele origin: germline. Affected: yes.
Comment: Not observed at significant frequency in large population cohorts (gnomAD); In silico analysis supports that this missense variant does not alter protein structure/function; Has not been previously published as pathogenic or benign to our knowledge